The following is an entry in ClinVar:

ClinVar aggregate classification (germline): Pathogenic (1 of 4 stars; one submission).

Submission:

Labcorp Genetics (formerly Invitae), Labcorp
Classification: Pathogenic. Last evaluated: 2022-05-12. Review status: criteria provided, single submitter. Criteria: Invitae Variant Classification Sherloc (09022015). Collection method: clinical testing. Allele origin: unknown.
Comment: For these reasons, this variant has been classified as Pathogenic. This variant disrupts a region of the NPHS2 protein in which other variant(s) (p.Arg138Gln) have been determined to be pathogenic (PMID: 11729243, 12649741, 20798252, 29049388). This suggests that this is a clinically significant region of the protein, and that variants that disrupt it are likely to be disease-causing. This variant has not been reported in the literature in individuals affected with NPHS2-related conditions. This variant is a gross deletion of the genomic region encompassing exon(s) 2-3 of the NPHS2 gene. This variant would be expected to be in-frame, preserving the integrity of the reading frame.

Literature cited by the submitters: PubMed 11729243; PubMed 12649741; PubMed 20798252; PubMed 29049388.

NC_000001.10:g.(?_179530415)_(179537345_?)del

Gene: NPHS2 (NPHS2 stomatin family member, podocin; minus strand). Cytogenetic location: 1q25.2.
Variant type: Deletion.
Identifiers: ClinVar variation 3247989 (VCV003247989.1).